The following is an entry in ClinVar:

NM_000090.4(COL3A1):c.1156C>T (p.Pro386Ser)

Gene: COL3A1 (collagen type III alpha 1 chain; plus strand). Cytogenetic location: 2q32.2.
Variant type: single nucleotide variant.
Coding change: c.1156C>T on transcript NM_000090.4 (MANE Select); coding-DNA position 1156, C replaced by T.
Protein change: p.Pro386Ser; replaces proline 386 with serine.
Molecular consequence: missense variant.
Genome position (GRCh38, 1-based): chr2:188,994,044, C>T. VCF-style: chr2-188994044-C-T. GRCh37 (hg19) VCF-style: chr2-189858770-C-T.
Other names: short protein forms P386S.
Identifiers: ClinVar variation 263816 (VCV000263816.57), dbSNP rs757192342, ClinGen allele CA073885.
Genomic context (GRCh38, chr2:188,994,044, plus strand): 5'-TATACGAACTATTTGCATTACTATTAATACATTATCTGTTTTTTGTATACTTAGGGCCCT[C>T]CTGGGATTAATGGTAGTCCTGGTGGTAAAGGCGAAATGGTAAGCTGTCCCCACTCCTCAG-3'
Protein context (NP_000081.2, residues 376-396): HAGAQGPPGP[Pro386Ser]GINGSPGGKG

ClinVar aggregate classification (germline): Conflicting classifications of pathogenicity. Review status: criteria provided, conflicting classifications (1 of 4 stars). 10 submissions from 10 submitters: Uncertain significance (9); Likely benign (1). Last evaluated 2025-04-09.

Conditions:
Familial thoracic aortic aneurysm and aortic dissection (TAAD). Also called: Thoracic aortic aneurysms and dissections. Identifiers: Orphanet 91387, MedGen C4707243, MONDO:0019625.
Ehlers-Danlos syndrome, type 4 (EDSVASC). Also called: Ehlers-Danlos syndrome vascular type; Ehlers Danlos syndrome, ecchymotic type; Ehlers Danlos syndrome, arterial type; Ehlers Danlos syndrome, Sack-Barabas type; Ehlers-Danlos Syndrome Type IV. Identifiers: Orphanet 286, MedGen C0268338, MONDO:0017314, OMIM 130050.

Allele frequency attached by ClinVar (database versions not stated): ExAC 0.00002; gnomAD exomes 0.00002; gnomAD 0.00006; TOPMed 0.00011.
gnomAD v4.1: 106 of 1,613,840 alleles (0.0066%); highest among the groups gnomAD compares: Non-Finnish European, 0.0086%; no homozygotes.

Submissions (10):

ARUP Laboratories, Molecular Genetics and Genomics, ARUP Laboratories
Classification: Uncertain significance. Last evaluated: 2025-04-09. Review status: criteria provided, single submitter. Criteria: ARUP Molecular Germline Variant Investigation Process 2024. Collection method: clinical testing. Allele origin: germline.
Comment: The COL3A1 c.1156C>T; p.Pro386Ser variant (rs757192342), to our knowledge, is not reported in the medical literature in individuals with COL3A1-related disorders but is reported in ClinVar (Variation ID: 263816). This variant is found in the non-Finnish European population with an allele frequency of 0.004% (5/129,100 alleles) in the Genome Aggregation Database (v2.1.1). Computational analyses are uncertain whether this variant is neutral or deleterious (REVEL: 0.623). Due to limited information, the clinical significance of this variant is uncertain at this time.

Labcorp Genetics (formerly Invitae), Labcorp
Classification: Uncertain significance for Ehlers-Danlos syndrome, type 4. Last evaluated: 2024-12-30. Review status: criteria provided, single submitter. Criteria: Invitae Variant Classification Sherloc (09022015). Collection method: clinical testing. Allele origin: germline.
Comment: This sequence change replaces proline, which is neutral and non-polar, with serine, which is neutral and polar, at codon 386 of the COL3A1 protein (p.Pro386Ser). This variant is present in population databases (rs757192342, gnomAD 0.004%). This missense change has been observed in individual(s) with clinical features of Ehlers-Danlos syndrome (internal data). ClinVar contains an entry for this variant (Variation ID: 263816). Invitae Evidence Modeling of protein sequence and biophysical properties (such as structural, functional, and spatial information, amino acid conservation, physicochemical variation, residue mobility, and thermodynamic stability) indicates that this missense variant is not expected to disrupt COL3A1 protein function with a negative predictive value of 95%. In summary, the available evidence is currently insufficient to determine the role of this variant in disease. Therefore, it has been classified as a Variant of Uncertain Significance.

GeneDx
Classification: Uncertain significance. Last evaluated: 2024-12-27. Review status: criteria provided, single submitter. Criteria: GeneDx Variant Classification Process June 2021. Collection method: clinical testing. Allele origin: germline. Affected: yes.
Comment: Has been reported in an individual who harbored an additional COL3A1 variant; however, phase was not known and no clinical or segregation details were provided (PMID: 25834947); Not observed at significant frequency in large population cohorts (gnomAD); In silico analysis supports that this missense variant has a deleterious effect on protein structure/function; Occurs in the triple helical domain at the Y position in the canonical Gly-X-Y repeat; although this variant may have an effect on normal protein folding and function, missense substitution at the Y position is not a common mechanism of disease (HGMD); This variant is associated with the following publications: (PMID: 25834947)

All of Us Research Program, National Institutes of Health
Classification: Uncertain significance for Ehlers-Danlos syndrome, type 4. Last evaluated: 2024-09-23. Review status: criteria provided, single submitter. Criteria: ACMG Guidelines, 2015. Collection method: clinical testing. Allele origin: germline. Inheritance: Autosomal dominant inheritance. Observed: 29 variant alleles, 29 heterozygotes.
Comment: This missense variant replaces proline with serine at codon 386 of the COL3A1 protein. Computational prediction is inconclusive regarding the impact of this variant on protein structure and function (internally defined REVEL score threshold 0.5 < inconclusive < 0.7, PMID: 27666373). To our knowledge, functional studies have not been reported for this variant. This variant has not been reported in individuals affected with cardiovascular disorders in the literature. This variant has been identified in 6/282734 chromosomes in the general population by the Genome Aggregation Database (gnomAD). The available evidence is insufficient to determine the role of this variant in disease conclusively. Therefore, this variant is classified as a Variant of Uncertain Significance.

This study involves interpretation of variants in research participants for the purpose of population health screening. Participant phenotype was not available at the time of variant classification. Additional details can be found in publication PMID: 35346344, PMCID: PMC8962531

Ambry Genetics
Classification: Likely benign for Familial thoracic aortic aneurysm and aortic dissection. Last evaluated: 2024-08-10. Review status: criteria provided, single submitter. Criteria: Ambry Variant Classification Scheme 2023. Collection method: clinical testing. Allele origin: germline.

Blueprint Genetics
Classification: Uncertain significance. Last evaluated: 2024-03-20. Review status: criteria provided, single submitter. Criteria: ACMG Guidelines, 2015. Collection method: clinical testing. Allele origin: germline.

Color Diagnostics, LLC DBA Color Health
Classification: Uncertain significance for Familial thoracic aortic aneurysm and aortic dissection. Last evaluated: 2024-03-08. Review status: criteria provided, single submitter. Criteria: ACMG Guidelines, 2015. Collection method: clinical testing. Allele origin: germline.
Comment: This missense variant replaces proline with serine at codon 386 of the COL3A1 protein. Computational prediction tools indicate that this variant's impact on protein structure and function is inconclusive. To our knowledge, functional studies have not been reported for this variant. This variant has not been reported in individuals affected with COL3A1-related disorders in the literature. This variant has been identified in 6/282734 chromosomes in the general population by the Genome Aggregation Database (gnomAD). The available evidence is insufficient to determine the role of this variant in disease conclusively. Therefore, this variant is classified as a Variant of Uncertain Significance.

CeGaT Center for Human Genetics Tuebingen
Classification: Uncertain significance. Last evaluated: 2021-09-01. Review status: criteria provided, single submitter. Criteria: CeGaT Center For Human Genetics Tuebingen Variant Classification Criteria Version 2. Collection method: clinical testing. Allele origin: germline. Affected: yes. Observed: 1 variant allele.

CHEO Genetics Diagnostic Laboratory, Children's Hospital of Eastern Ontario
Classification: Uncertain significance for Familial thoracic aortic aneurysm and aortic dissection. Last evaluated: 2021-08-09. Review status: criteria provided, single submitter. Criteria: ACMG Guidelines, 2015. Collection method: clinical testing. Allele origin: germline.

Women's Health and Genetics/Laboratory Corporation of America, LabCorp
Classification: Uncertain significance. Last evaluated: 2021-05-24. Review status: criteria provided, single submitter. Criteria: LabCorp Variant Classification Summary - May 2015. Collection method: clinical testing. Allele origin: germline.
Comment: Variant summary: COL3A1 c.1156C>T (p.Pro386Ser) results in a non-conservative amino acid change located in the third collagen triple helix repeat domain (IPR008160) of the encoded protein sequence. Four of five in-silico tools predict a damaging effect of the variant on protein function. The variant allele was found at a frequency of 1.6e-05 in 251340 control chromosomes. The available data on variant occurrences in the general population are insufficient to allow any conclusion about variant significance. c.1156C>T has been reported in the literature in at least one individual (Pepin_2015). This report does not provide unequivocal conclusions about association of the variant with Aortopathy. Co-occurrence with a pathogenic variant has been reported (SMAD3 c.532+1G>C), providing supporting evidence for a benign role. To our knowledge, no experimental evidence demonstrating an impact on protein function has been reported. Four clinical diagnostic laboratories have submitted clinical-significance assessments for this variant to ClinVar after 2014 without evidence for independent evaluation. All laboratories classified the variant as uncertain significance. Based on the evidence outlined above, the variant was classified as VUS-possibly benign.

Literature cited by the submitters: PubMed 25834947 (cited by Ambry Genetics and Women's Health and Genetics/Laboratory Corporation of America, LabCorp).